The following is an entry in ClinVar:

ClinVar aggregate classification (germline): Benign/Likely benign. Review status: criteria provided, multiple submitters, no conflicts (2 of 4 stars). 10 submissions from 10 submitters: Benign (2); Likely benign (5). 3 of the submissions do not count toward it. Last evaluated 2026-08-01.

Conditions:
Epidermolysis bullosa simplex with nail dystrophy (EBS5D). Identifiers: MedGen C4225309, MONDO:0014661, OMIM 616487.
Epidermolysis bullosa simplex 5C, with pyloric atresia (EBS5C). Also called: PLEC-Related Epidermolysis Bullosa with Pyloric Atresia; PLEC1-Related Epidermolysis Bullosa with Pyloric Atresia; Epidermolysis bullosa simplex with pyloric atresia. Identifiers: Orphanet 158684, MedGen C2677349, MONDO:0012807, OMIM 612138.
Autosomal recessive limb-girdle muscular dystrophy type 2Q (LGMDR17). Also called: MUSCULAR DYSTROPHY, LIMB-GIRDLE, AUTOSOMAL RECESSIVE 17. Identifiers: Orphanet 254361, MedGen C3150989, MONDO:0013390, OMIM 613723.
Epidermolysis bullosa simplex, Ogna type (EBS5A). Also called: Pidermolysis bullosa simplex 5A, Ogna type; EPIDERMOLYSIS BULLOSA SIMPLEX 5A, OGNA TYPE. Identifiers: Orphanet 79401, MedGen C0432317, MONDO:0007555, OMIM 131950.
Epidermolysis bullosa simplex 5B, with muscular dystrophy (EBS5B). Also called: EPIDERMOLYSIS BULLOSA SIMPLEX AND LIMB-GIRDLE MUSCULAR DYSTROPHY; Epidermolysis bullosa simplex with muscular dystrophy. Identifiers: Orphanet 257, MedGen C2931072, MONDO:0009181, OMIM 226670.

Allele frequency attached by ClinVar (database versions not stated): 1000 Genomes Project 0.00040; 1000 Genomes Project 30x 0.00062; ESP Exome Variant Server 0.00128; gnomAD 0.00146 and 0.00150; gnomAD exomes 0.00177 and 0.00189; TOPMed 0.00177; ExAC 0.00217.
gnomAD v4.1: 2,921 of 1,584,840 alleles (0.18%); highest among the groups gnomAD compares: Admixed American, 0.29%; 4 homozygotes.

Submissions (10):

CeGaT Center for Human Genetics Tuebingen
Classification: Likely benign. Last evaluated: 2026-08-01. Review status: criteria provided, single submitter. Criteria: CeGaT Center For Human Genetics Tuebingen Variant Classification Criteria Version 2. Collection method: clinical testing. Allele origin: germline. Affected: yes. Observed: 7 variant alleles.
Comment: PLEC: BP4, BP7

Labcorp Genetics (formerly Invitae), Labcorp
Classification: Benign for Autosomal recessive limb-girdle muscular dystrophy type 2Q; Epidermolysis bullosa simplex, Ogna type; Epidermolysis bullosa simplex with nail dystrophy; Epidermolysis bullosa simplex 5C, with pyloric atresia; Epidermolysis bullosa simplex 5B, with muscular dystrophy. Last evaluated: 2026-02-02. Review status: criteria provided, single submitter. Criteria: Invitae Variant Classification Sherloc (09022015). Collection method: clinical testing. Allele origin: germline.

Blueprint Genetics
Classification: Likely benign. Last evaluated: 2024-11-27. Review status: criteria provided, single submitter. Criteria: ACMG Guidelines, 2015. Collection method: clinical testing. Allele origin: germline.

Athena Diagnostics
Classification: Benign. Last evaluated: 2024-06-25. Review status: criteria provided, single submitter. Criteria: Athena Diagnostics Criteria. Collection method: clinical testing. Allele origin: unknown.

GeneDx
Classification: Likely benign. Last evaluated: 2021-03-16. Review status: criteria provided, single submitter. Criteria: GeneDx Variant Classification Process June 2021. Collection method: clinical testing. Allele origin: germline. Affected: yes.

Eurofins Ntd Llc (ga)
Classification: Likely benign. Last evaluated: 2016-08-22. Review status: criteria provided, single submitter. Criteria: EGL Classification Definitions 2015. Collection method: clinical testing. Allele origin: germline. Observed: 12 variant alleles, 12 heterozygotes.

Breakthrough Genomics
Classification: Likely benign. Review status: criteria provided, single submitter. Criteria: ACMG Guidelines, 2015. Collection method: not provided. Allele origin: germline. Inheritance: Autosomal recessive inheritance. Affected: yes.

Clinical Genetics DNA and cytogenetics Diagnostics Lab, Erasmus MC, Erasmus Medical Center
Classification: Likely benign. Review status: no assertion criteria provided. Collection method: clinical testing. Allele origin: germline. Affected: yes. Study: VKGL Data-share Consensus. Not counted in ClinVar's aggregate classification.

Genome Diagnostics Laboratory, University Medical Center Utrecht
Classification: Likely benign. Review status: no assertion criteria provided. Collection method: clinical testing. Allele origin: germline. Affected: yes. Study: VKGL Data-share Consensus. Not counted in ClinVar's aggregate classification.

Laboratory of Diagnostic Genome Analysis, Leiden University Medical Center (LUMC)
Classification: Likely benign. Review status: no assertion criteria provided. Collection method: clinical testing. Allele origin: germline. Affected: yes. Study: VKGL Data-share Consensus. Not counted in ClinVar's aggregate classification.

NM_201384.3(PLEC):c.3543C>T (p.Val1181=)

Gene: PLEC (plectin; minus strand). Cytogenetic location: 8q24.3.
Variant type: single nucleotide variant.
Coding change: c.3543C>T on transcript NM_201384.3 (MANE Select); coding-DNA position 3543, C replaced by T.
Protein change: p.Val1181=; no amino-acid change (valine 1181 retained).
Molecular consequence: synonymous variant.
Genome position (GRCh38, 1-based): chr8:143,927,623, G>A on the plus strand (C>T on the coding strand, the complement: PLEC is on the minus strand). VCF-style: chr8-143927623-G-A. GRCh37 (hg19) VCF-style: chr8-145001791-G-A.
Other names: c.3624C>T, p.Val1208= (NM_000445.5); c.3501C>T, p.Val1167= (NM_201378.4); c.3477C>T, p.Val1159= (NM_201379.3); c.3954C>T, p.Val1318= (NM_201380.4); c.3447C>T, p.Val1149= (NM_201381.3); c.3543C>T, p.Val1181= (NM_201382.4); c.3555C>T, p.Val1185= (NM_201383.3).
Identifiers: ClinVar variation 284575 (VCV000284575.60), dbSNP rs202185399, ClinGen allele CA4927028.